The following is an entry in ClinVar:

ClinVar aggregate classification (germline): Uncertain significance (1 of 4 stars; one submission).

gnomAD v4.1: 1 of 1,613,208 alleles (0.000062%); highest among the groups gnomAD compares: Non-Finnish European, 0.000085%; no homozygotes.

Submission:

Labcorp Genetics (formerly Invitae), Labcorp
Classification: Uncertain significance. Last evaluated: 2025-08-14. Review status: criteria provided, single submitter. Criteria: Invitae Variant Classification Sherloc (09022015). Collection method: clinical testing. Allele origin: germline.
Comment: This sequence change replaces arginine, which is basic and polar, with proline, which is neutral and non-polar, at codon 1699 of the COL4A2 protein (p.Arg1699Pro). This variant is not present in population databases (gnomAD no frequency). This variant has not been reported in the literature in individuals affected with COL4A2-related conditions. Invitae Evidence Modeling of protein sequence and biophysical properties (such as structural, functional, and spatial information, amino acid conservation, physicochemical variation, residue mobility, and thermodynamic stability) indicates that this missense variant is not expected to disrupt COL4A2 protein function with a negative predictive value of 95%. In summary, the available evidence is currently insufficient to determine the role of this variant in disease. Therefore, it has been classified as a Variant of Uncertain Significance.

NM_001846.4(COL4A2):c.5096G>C (p.Arg1699Pro)

Gene: COL4A2 (collagen type IV alpha 2 chain; plus strand). Cytogenetic location: 13q34.
Variant type: single nucleotide variant.
Coding change: c.5096G>C on transcript NM_001846.4 (MANE Select); coding-DNA position 5096, G replaced by C.
Protein change: p.Arg1699Pro; replaces arginine 1699 with proline.
Molecular consequence: missense variant.
Genome position (GRCh38, 1-based): chr13:110,512,148, G>C. VCF-style: chr13-110512148-G-C. GRCh37 (hg19) VCF-style: chr13-111164495-G-C.
Other names: short protein forms R1699P.
Identifiers: ClinVar variation 4746345 (VCV004746345.1).